The following is an entry in ClinVar:

ClinVar aggregate classification (germline): Likely benign. Review status: criteria provided, multiple submitters, no conflicts (2 of 4 stars). 4 submissions from 4 submitters: Likely benign (4). Last evaluated 2026-06-15.

Conditions:
MYH6-related disorder. Also called: MYH6-Related Disorders; MYH6-related condition.
Hypertrophic cardiomyopathy 14. Identifiers: MedGen C2750467, MONDO:0013197, OMIM 613251.

Allele frequency attached by ClinVar (database versions not stated): TOPMed 0.00002; gnomAD exomes 0.00003 and 0.00001; ExAC 0.00002; gnomAD 0.00002.
gnomAD v4.1: 53 of 1,613,248 alleles (0.0033%); highest among the groups gnomAD compares: Non-Finnish European, 0.0044%; no homozygotes.

Submissions (4):

PreventionGenetics, part of Exact Sciences
Classification: Likely benign for MYH6-related condition. Last evaluated: 2026-06-15. Review status: criteria provided, single submitter. Criteria: ACMG Guidelines, 2015. Collection method: clinical testing. Allele origin: germline.
Comment: This variant is classified as likely benign based on ACMG/AMP sequence variant interpretation guidelines (Richards et al. 2015 PMID: 25741868, with internal and published modifications).

Labcorp Genetics (formerly Invitae), Labcorp
Classification: Likely benign for Hypertrophic cardiomyopathy 14. Last evaluated: 2025-11-05. Review status: criteria provided, single submitter. Criteria: Invitae Variant Classification Sherloc (09022015). Collection method: clinical testing. Allele origin: germline.

Blueprint Genetics
Classification: Likely benign. Last evaluated: 2023-12-21. Review status: criteria provided, single submitter. Criteria: ACMG Guidelines, 2015. Collection method: clinical testing. Allele origin: germline.

GeneDx
Classification: Likely benign. Last evaluated: 2019-07-15. Review status: criteria provided, single submitter. Criteria: GeneDx Variant Classification Process June 2021. Collection method: clinical testing. Allele origin: germline. Affected: yes.

NM_002471.4(MYH6):c.3860-8A>G

Gene: MYH6 (myosin heavy chain 6; minus strand). Cytogenetic location: 14q11.2.
Variant type: single nucleotide variant.
Coding change: c.3860-8A>G on transcript NM_002471.4 (MANE Select); 8 bases into the intron before coding-DNA position 3860, A replaced by G.
Molecular consequence: intron variant.
Genome position (GRCh38, 1-based): chr14:23,389,519, T>C on the plus strand (A>G on the coding strand, the complement: MYH6 is on the minus strand). VCF-style: chr14-23389519-T-C. GRCh37 (hg19) VCF-style: chr14-23858728-T-C.
Identifiers: ClinVar variation 414329 (VCV000414329.13), dbSNP rs772882288, ClinGen allele CA7115035.